The following is an entry in ClinVar:

NM_001395413.1(POR):c.481G>A (p.Val161Met)

Gene: POR (cytochrome p450 oxidoreductase; plus strand). Cytogenetic location: 7q11.23.
Variant type: single nucleotide variant.
Coding change: c.481G>A on transcript NM_001395413.1 (MANE Select); coding-DNA position 481, G replaced by A.
Protein change: p.Val161Met; replaces valine 161 with methionine.
Molecular consequence: missense variant.
Genome position (GRCh38, 1-based): chr7:75,980,462, G>A. VCF-style: chr7-75980462-G-A. GRCh37 (hg19) VCF-style: chr7-75609780-G-A.
Other names: c.481G>A, p.Val161Met (NM_001367562.3, NM_001382657.2, NM_001382658.3 and 2 more transcripts); c.535G>A, p.Val179Met (NM_001382655.3); short protein forms V161M, V179M.
Identifiers: ClinVar variation 510680 (VCV000510680.15), dbSNP rs200112691, ClinGen allele CA4303646.

ClinVar aggregate classification (germline): Conflicting classifications of pathogenicity. Review status: criteria provided, conflicting classifications (1 of 4 stars). 6 submissions from 6 submitters: Uncertain significance (5); Likely benign (1). Last evaluated 2026-06-30.

Conditions:
Congenital adrenal hyperplasia due to cytochrome P450 oxidoreductase deficiency. Also called: DISORDERED STEROIDOGENESIS DUE TO POR DEFICIENCY. Identifiers: Orphanet 95699, MedGen C1860042, MONDO:0013310, OMIM 613571.
POR-related disorder. Also called: POR-related condition.

Allele frequency attached by ClinVar (database versions not stated): TOPMed 0.00029; ExAC 0.00043; 1000 Genomes Project 30x 0.00047; ESP Exome Variant Server 0.00048; 1000 Genomes Project 0.00060.
gnomAD v4.1: 549 of 1,613,108 alleles (0.034%); highest among the groups gnomAD compares: South Asian, 0.058%; no homozygotes.

Submissions (6):

PreventionGenetics, part of Exact Sciences
Classification: Uncertain significance for POR-related condition. Last evaluated: 2026-06-30. Review status: criteria provided, single submitter. Criteria: ACMG Guidelines, 2015. Collection method: clinical testing. Allele origin: germline.
Comment: The POR c.490G>A variant is predicted to result in the amino acid substitution p.Val164Met. This variant was reported in a study of novel P450 oxidoreductase missense variants in Ashkenazi and Moroccan Jewish populations (Tomková et al. 2012. PubMed ID: 22462747). This variant is reported in 0.089% of alleles in individuals of European (Non-Finnish) descent in gnomAD. Although we suspect that this variant may be benign, at this time, the clinical significance of this variant is uncertain due to the absence of conclusive functional and genetic evidence.

Labcorp Genetics (formerly Invitae), Labcorp
Classification: Uncertain significance for Congenital adrenal hyperplasia due to cytochrome P450 oxidoreductase deficiency. Last evaluated: 2025-01-13. Review status: criteria provided, single submitter. Criteria: Invitae Variant Classification Sherloc (09022015). Collection method: clinical testing. Allele origin: germline.
Comment: This sequence change replaces valine, which is neutral and non-polar, with methionine, which is neutral and non-polar, at codon 164 of the POR protein (p.Val164Met). This variant is present in population databases (rs200112691, gnomAD 0.09%), and has an allele count higher than expected for a pathogenic variant. This variant has not been reported in the literature in individuals affected with POR-related conditions. ClinVar contains an entry for this variant (Variation ID: 510680). Invitae Evidence Modeling of protein sequence and biophysical properties (such as structural, functional, and spatial information, amino acid conservation, physicochemical variation, residue mobility, and thermodynamic stability) indicates that this missense variant is not expected to disrupt POR protein function with a negative predictive value of 80%. In summary, the available evidence is currently insufficient to determine the role of this variant in disease. Therefore, it has been classified as a Variant of Uncertain Significance.

Blueprint Genetics
Classification: Uncertain significance. Last evaluated: 2024-11-21. Review status: criteria provided, single submitter. Criteria: ACMG Guidelines, 2015. Collection method: clinical testing. Allele origin: germline.

Genetic Services Laboratory, University of Chicago
Classification: Uncertain significance. Last evaluated: 2023-03-01. Review status: criteria provided, single submitter. Criteria: ACMG Guidelines, 2015. Collection method: clinical testing. Allele origin: germline. Affected: no.
Comment: DNA sequence analysis of the POR gene demonstrated a sequence change, c.490G>A, in exon 5 that results in an amino acid change, p.Val164Met. This sequence change does not appear to have been previously described in individuals with POR-related disorders. This sequence change has been described in the gnomAD database with a frequency of 0.08% in the European subpopulation (dbSNP rs200112691). The p.Val164Met change affects a moderately conserved amino acid residue located in a domain of the POR protein that is known to be functional. The p.Val164Met substitution appears to be benign using several in-silico pathogenicity prediction tools (SIFT, PolyPhen2, Align GVGD, REVEL). Due to insufficient evidences and the lack of functional studies, the clinical significance of the p.Val164Met change remains unknown at this time.

GeneDx
Classification: Likely benign. Last evaluated: 2021-05-27. Review status: criteria provided, single submitter. Criteria: GeneDx Variant Classification Process June 2021. Collection method: clinical testing. Allele origin: germline. Affected: yes.
Comment: This variant is associated with the following publications: (PMID: 22462747)

Illumina Laboratory Services, Illumina
Classification: Uncertain significance for Congenital adrenal hyperplasia due to cytochrome P450 oxidoreductase deficiency. Last evaluated: 2017-04-27. Review status: criteria provided, single submitter. Criteria: ICSL Variant Classification Criteria 13 December 2019. Collection method: clinical testing. Allele origin: germline.
Comment: This variant was observed as part of a predisposition screen in an ostensibly healthy population. A literature search was performed for the gene, cDNA change, and amino acid change (where applicable). Publications were found based on this search. However, the evidence from the literature, in combination with allele frequency data from public databases where available, was not sufficient to rule this variant in or out of causing disease. Therefore, this variant is classified as a variant of unknown significance.

Literature cited by the submitters: PubMed 24847272 (cited by Illumina Laboratory Services, Illumina); PubMed 22462747 (cited by Illumina Laboratory Services, Illumina).